The following is an entry in ClinVar:

NM_001040108.2(MLH3):c.330G>A (p.Ser110=)

Gene: MLH3 (mutL homolog 3; minus strand). Cytogenetic location: 14q24.3.
Variant type: single nucleotide variant.
Coding change: c.330G>A on transcript NM_001040108.2 (MANE Select); coding-DNA position 330, G replaced by A.
Protein change: p.Ser110=; no amino-acid change (serine 110 retained).
Molecular consequence: synonymous variant.
Genome position (GRCh38, 1-based): chr14:75,049,326, C>T on the plus strand (G>A on the coding strand, the complement: MLH3 is on the minus strand). VCF-style: chr14-75049326-C-T. GRCh37 (hg19) VCF-style: chr14-75516029-C-T.
Other names: c.330G>A, p.Ser110= (NM_014381.3).
Identifiers: ClinVar variation 416459 (VCV000416459.17), dbSNP rs189749330, ClinGen allele CA7276051.
Genomic context (GRCh38, chr14:75,049,326, plus strand): 5'-CAGGGCTTTTCCACTCTGAAACAGTTTCACAAAAGTTTTCATTGTCCTGTTTTTCTTGGA[C>T]GAAATTTCCACAGCACTGGCCATGTCAGCAATATTTGCCAAGGCCTCTCCTCGGAAACCA-3'
Protein context (NP_001035197.1, residues 100-120): IADMASAVEI[Ser110=]SKKNRTMKTF

ClinVar aggregate classification (germline): Benign/Likely benign. Review status: criteria provided, multiple submitters, no conflicts (2 of 4 stars). 5 submissions from 5 submitters: Benign (3); Likely benign (2). Last evaluated 2026-04-28.

Conditions:
Colorectal cancer, hereditary nonpolyposis, type 7. Identifiers: Orphanet 144, MedGen C1858380, MONDO:0013725, OMIM 614385.
Endometrial carcinoma. Also called: Endometrial carcinoma, somatic. Identifiers: MedGen C0476089, MONDO:0002447, OMIM 608089, HP:0012114.
Colorectal cancer. Also called: Colorectal cancer, somatic; Malignant Colorectal Neoplasm. Identifiers: MedGen C0346629, MONDO:0005575, OMIM 114500.

Allele frequency attached by ClinVar (database versions not stated): gnomAD 0.00007 and 0.00001; gnomAD exomes 0.00018 and 0.00010; ExAC 0.00022; TOPMed 0.00003; 1000 Genomes Project 0.00020; 1000 Genomes Project 30x 0.00031.
gnomAD v4.1: 153 of 1,614,102 alleles (0.0095%); highest among the groups gnomAD compares: South Asian, 0.12%; 1 homozygote.

Submissions (5):

Myriad Genetics, Inc.
Classification: Benign for Colorectal cancer, hereditary nonpolyposis, type 7. Last evaluated: 2026-04-28. Review status: criteria provided, single submitter. Criteria: Myriad Autosomal Dominant, Autosomal Recessive and X-Linked Classification Criteria (2023). Collection method: clinical testing. Allele origin: unknown.
Comment: This variant is considered benign. This variant is a silent/synonymous amino acid change and it is not expected to impact splicing.

Labcorp Genetics (formerly Invitae), Labcorp
Classification: Benign for Colorectal cancer, hereditary nonpolyposis, type 7. Last evaluated: 2025-04-30. Review status: criteria provided, single submitter. Criteria: Invitae Variant Classification Sherloc (09022015). Collection method: clinical testing. Allele origin: germline.

Center for Genomic Medicine, Rigshospitalet, Copenhagen University Hospital
Classification: Likely benign. Last evaluated: 2025-03-04. Review status: criteria provided, single submitter. Criteria: ACMG Guidelines, 2015. Collection method: clinical testing. Allele origin: germline.

Department of Pathology and Laboratory Medicine, Sinai Health System
Classification: Benign for Colorectal cancer; Endometrial carcinoma; Colorectal cancer, hereditary nonpolyposis, type 7. Last evaluated: 2024-06-25. Review status: criteria provided, single submitter. Criteria: ACMG Guidelines, 2015. Collection method: clinical testing. Allele origin: germline. Affected: yes.

Ambry Genetics
Classification: Likely benign. Last evaluated: 2022-08-19. Review status: criteria provided, single submitter. Criteria: Ambry Variant Classification Scheme 2023. Collection method: clinical testing. Allele origin: germline.